The following is an entry in ClinVar:

NM_000263.4(NAGLU):c.940T>G (p.Phe314Val)

Gene: NAGLU (N-acetyl-alpha-glucosaminidase; plus strand). Cytogenetic location: 17q21.2.
Variant type: single nucleotide variant.
Coding change: c.940T>G on transcript NM_000263.4 (MANE Select); coding-DNA position 940, T replaced by G.
Protein change: p.Phe314Val; replaces phenylalanine 314 with valine.
Molecular consequence: missense variant.
Genome position (GRCh38, 1-based): chr17:42,541,125, T>G. VCF-style: chr17-42541125-T-G. GRCh37 (hg19) VCF-style: chr17-40693143-T-G.
Other names: short protein forms F314V.
Identifiers: ClinVar variation 1495526 (VCV001495526.8), dbSNP rs104894600, ClinGen allele CA399600255.
Genomic context (GRCh38, chr17:42,541,125, plus strand): 5'-CTCTTCCTGCGAGAGCTGATCAAAGAGTTTGGCACAGACCACATCTATGGGGCCGACACT[T>G]TCAATGAGATGCAGCCACCTTCCTCAGAGCCCTCCTACCTTGCCGCAGCCACCACTGCCG-3'
Protein context (NP_000254.2, residues 304-324): GTDHIYGADT[Phe314Val]NEMQPPSSEP

ClinVar aggregate classification (germline): Likely pathogenic (1 of 4 stars; one submission).

Conditions:
Mucopolysaccharidosis, MPS-III-B (MPS3B). Also called: N-ACETYL-ALPHA-D-GLUCOSAMINIDASE DEFICIENCY; NAGLU DEFICIENCY; SANFILIPPO SYNDROME B; MPS III B; MPS IIIB (Sanfilippo Syndrome Type B); MUCOPOLYSACCHARIDOSIS, TYPE IIIB. Identifiers: Orphanet 79270, MedGen C0086648, MONDO:0009656, OMIM 252920.
Charcot-Marie-Tooth disease axonal type 2V. Also called: CHARCOT-MARIE-TOOTH NEUROPATHY, TYPE 2V; CHARCOT-MARIE-TOOTH DISEASE, AXONAL, AUTOSOMAL DOMINANT, TYPE 2V. Identifiers: Orphanet 447964, MedGen C5569050, MONDO:0014665, OMIM 616491.

Submission:

Labcorp Genetics (formerly Invitae), Labcorp
Classification: Likely pathogenic for Charcot-Marie-Tooth disease axonal type 2V; Mucopolysaccharidosis, MPS-III-B. Last evaluated: 2021-04-09. Review status: criteria provided, single submitter. Criteria: Invitae Variant Classification Sherloc (09022015). Collection method: clinical testing. Allele origin: germline.
Comment: In summary, the currently available evidence indicates that the variant is pathogenic, but additional data are needed to prove that conclusively. Therefore, this variant has been classified as Likely Pathogenic. This variant disrupts the p.Phe314 amino acid residue in NAGLU. Other variant(s) that disrupt this residue have been determined to be pathogenic (PMID: 12202988, 27243974). This suggests that this residue is clinically significant, and that variants that disrupt this residue are likely to be disease-causing. Advanced modeling of protein sequence and biophysical properties (such as structural, functional, and spatial information, amino acid conservation, physicochemical variation, residue mobility, and thermodynamic stability) performed at Invitae indicates that this missense variant is expected to disrupt NAGLU protein function. This variant has not been reported in the literature in individuals with NAGLU-related conditions. This variant is not present in population databases (ExAC no frequency). This sequence change replaces phenylalanine with valine at codon 314 of the NAGLU protein (p.Phe314Val). The phenylalanine residue is moderately conserved and there is a small physicochemical difference between phenylalanine and valine.

Literature cited by the submitters: PubMed 12202988; PubMed 27243974.